The following is an entry in ClinVar:

ClinVar aggregate classification (germline): Benign. Review status: criteria provided, multiple submitters, no conflicts (2 of 4 stars). 10 submissions from 9 submitters: Benign (10). Last evaluated 2026-02-03.

Conditions:
MYH9-related disorder. Identifiers: MedGen C1854520.
Autosomal dominant nonsyndromic hearing loss 17. Also called: Deafness, autosomal dominant 17; Autosomal dominant nonsyndromic deafness 17. Identifiers: Orphanet 90635, MedGen C1863659, MONDO:0011350, OMIM 603622.

Allele frequency attached by ClinVar (database versions not stated): gnomAD exomes 0.05178 and 0.07144; ESP Exome Variant Server 0.06066; ExAC 0.07016; gnomAD 0.07263 and 0.07280; TOPMed 0.07742; 1000 Genomes Project 30x 0.09322; 1000 Genomes Project 0.09625.
gnomAD v4.1: 86,817 of 1,614,018 alleles (5.4%); highest among the groups gnomAD compares: African/African-American, 12%; 2,962 homozygotes.

Submissions (10):

Labcorp Genetics (formerly Invitae), Labcorp
Classification: Benign. Last evaluated: 2026-02-03. Review status: criteria provided, single submitter. Criteria: Invitae Variant Classification Sherloc (09022015). Collection method: clinical testing. Allele origin: germline.

ARUP Laboratories, Molecular Genetics and Genomics, ARUP Laboratories
Classification: Benign. Last evaluated: 2025-06-24. Review status: criteria provided, single submitter. Criteria: ARUP Molecular Germline Variant Investigation Process 2024. Collection method: clinical testing. Allele origin: germline.

Blueprint Genetics
Classification: Benign. Last evaluated: 2024-11-28. Review status: criteria provided, single submitter. Criteria: ACMG Guidelines, 2015. Collection method: clinical testing. Allele origin: germline.

Mayo Clinic Laboratories, Mayo Clinic
Classification: Benign. Last evaluated: 2023-07-23. Review status: criteria provided, single submitter. Criteria: ACMG Guidelines, 2015. Collection method: clinical testing. Allele origin: germline. Observed: 154 variant alleles.

Illumina Laboratory Services, Illumina
Classification: Benign for Autosomal dominant nonsyndromic hearing loss 17. Last evaluated: 2018-01-13. Review status: criteria provided, single submitter. Criteria: ICSL Variant Classification Criteria 13 December 2019. Collection method: clinical testing. Allele origin: germline.
Comment: This variant was observed in the ICSL laboratory as part of a predisposition screen in an ostensibly healthy population. It had not been previously curated by ICSL or reported in the Human Gene Mutation Database (HGMD: prior to June 1st, 2018), and was therefore a candidate for classification through an automated scoring system. Utilizing variant allele frequency, disease prevalence and penetrance estimates, and inheritance mode, an automated score was calculated to assess if this variant is too frequent to cause the disease. Based on the score and internal cut-off values, a variant classified as benign is not then subjected to further curation. The score for this variant resulted in a classification of benign for this disease.

Illumina Laboratory Services, Illumina
Classification: Benign for MYH9-related disorder. Last evaluated: 2018-01-13. Review status: criteria provided, single submitter. Criteria: ICSL Variant Classification Criteria 13 December 2019. Collection method: clinical testing. Allele origin: germline.
Comment: the same text as in the submission from Illumina Laboratory Services, Illumina above.

GeneDx
Classification: Benign. Last evaluated: 2017-05-09. Review status: criteria provided, single submitter. Criteria: GeneDx Variant Classification (06012015). Collection method: clinical testing. Allele origin: germline. Affected: yes.
Comment: This variant is considered likely benign or benign based on one or more of the following criteria: it is a conservative change, it occurs at a poorly conserved position in the protein, it is predicted to be benign by multiple in silico algorithms, and/or has population frequency not consistent with disease.

Laboratory for Molecular Medicine, Mass General Brigham Personalized Medicine
Classification: Benign. Last evaluated: 2012-05-07. Review status: criteria provided, single submitter. Criteria: LMM Criteria. Collection method: clinical testing. Allele origin: germline. Observed: 227 variant alleles.
Comment: "Arg1633Arg in Exon 34 of MYH9: This variant is not expected to have clinical si gnificance because it does not alter an amino acid residue, is not located withi n the splice consensus sequence, and has been identified in 11.1% (414/3738) of African American chromosomes from a broad population by the NHLBI Exome Sequenci ng Project (dbSNP rs5756130)."

Breakthrough Genomics
Classification: Benign. Review status: criteria provided, single submitter. Criteria: ACMG Guidelines, 2015. Collection method: not provided. Allele origin: germline. Inheritance: Autosomal dominant inheritance. Affected: yes.

PreventionGenetics, part of Exact Sciences
Classification: Benign. Review status: criteria provided, single submitter. Criteria: ACMG Guidelines, 2015. Collection method: clinical testing. Allele origin: germline.

NM_002473.6(MYH9):c.4899G>A (p.Arg1633=)

Gene: MYH9 (myosin heavy chain 9; minus strand). Cytogenetic location: 22q12.3.
Variant type: single nucleotide variant.
Coding change: c.4899G>A on transcript NM_002473.6 (MANE Select); coding-DNA position 4899, G replaced by A.
Protein change: p.Arg1633=; no amino-acid change (arginine 1633 retained).
Molecular consequence: synonymous variant.
Genome position (GRCh38, 1-based): chr22:36,288,285, C>T on the plus strand (G>A on the coding strand, the complement: MYH9 is on the minus strand). VCF-style: chr22-36288285-C-T. GRCh37 (hg19) VCF-style: chr22-36684331-C-T.
Other names: p.Arg1633=; c.4899G>A (NM_002473.5).
Identifiers: ClinVar variation 44566 (VCV000044566.22), dbSNP rs5756130, ClinGen allele CA134549.
Genomic context (GRCh38, chr22:36,288,285, plus strand): 5'-CCTCACCTGGGCCCCGCCCACCCTTACCTGCAGCTTCCGCAGCTGTTTGATGGCTTCGTC[C>T]CGGTTCTTGTTGGCCGAGTCGATGTGCGCCTCCAGGTCCTTCAGGTCCATCTCCAGCTTC-3'
Protein context (NP_002464.1, residues 1623-1643): EAHIDSANKN[Arg1633=]DEAIKQLRKL